The following is an entry in ClinVar:

NC_000002.11:g.(?_62063125)_(62081176_?)del

Gene: FAM161A (FAM161 centrosomal protein A; minus strand). Cytogenetic location: 2p15.
Variant type: Deletion.
Identifiers: ClinVar variation 3247484 (VCV003247484.1).

ClinVar aggregate classification (germline): Pathogenic (1 of 4 stars; one submission).

Submission:

Labcorp Genetics (formerly Invitae), Labcorp
Classification: Pathogenic. Last evaluated: 2023-03-07. Review status: criteria provided, single submitter. Criteria: Invitae Variant Classification Sherloc (09022015). Collection method: clinical testing. Allele origin: unknown.
Comment: For these reasons, this variant has been classified as Pathogenic. A similar copy number variant has been observed in individual(s) with retinitis pigmentosa who also had RPGR-related disease (PMID: 33598457). This variant is a gross deletion of the genomic region encompassing exon(s) 1-5 of the FAM161A gene, which includes the initiator codon. This deletion extends beyond the assayed region for this gene and therefore may encompass additional genes. It is expected to result in an absent or disrupted protein product. Loss-of-function variants in FAM161A are known to be pathogenic (PMID: 20705278, 20705279, 24651477).

Literature cited by the submitters: PubMed 33598457; PubMed 20705278; PubMed 20705279; PubMed 24651477.